The following is an entry in ClinVar:

ClinVar aggregate classification (germline): Likely benign. Review status: criteria provided, multiple submitters, no conflicts (2 of 4 stars). 2 submissions from 2 submitters: Likely benign (2). Last evaluated 2025-02-16.

Allele frequency attached by ClinVar (database versions not stated): TOPMed 0.00008; gnomAD exomes 0.00010; ExAC 0.00013; gnomAD 0.00014.
gnomAD v4.1: 164 of 1,608,756 alleles (0.01%); highest among the groups gnomAD compares: Non-Finnish European, 0.011%; no homozygotes.

Submissions (2):

Laboratory of Genetics, Children's Clinical University Hospital Latvia
Classification: Likely benign. Last evaluated: 2025-02-16. Review status: criteria provided, single submitter. Criteria: ACMG Guidelines, 2015. Collection method: clinical testing. Allele origin: germline. Affected: yes.

CeGaT Center for Human Genetics Tuebingen
Classification: Likely benign. Last evaluated: 2023-03-01. Review status: criteria provided, single submitter. Criteria: CeGaT Center For Human Genetics Tuebingen Variant Classification Criteria Version 2. Collection method: clinical testing. Allele origin: germline. Affected: yes. Observed: 1 variant allele.
Comment: BCL11A: PP2, BS1

NM_022893.4(BCL11A):c.1795G>A (p.Asp599Asn)

Gene: BCL11A (BCL11 transcription factor A; minus strand). Cytogenetic location: 2p16.1.
Variant type: single nucleotide variant.
Coding change: c.1795G>A on transcript NM_022893.4 (MANE Select); coding-DNA position 1795, G replaced by A.
Protein change: p.Asp599Asn; replaces aspartic acid 599 with asparagine.
Molecular consequence: missense variant. On other transcripts: intron variant (6).
Genome position (GRCh38, 1-based): chr2:60,461,117, C>T on the plus strand (G>A on the coding strand, the complement: BCL11A is on the minus strand). VCF-style: chr2-60461117-C-T. GRCh37 (hg19) VCF-style: chr2-60688252-C-T.
Other names: c.1639G>A, p.Asp547Asn (NM_001405722.1, NM_001405723.1, NM_001405713.1 and 3 more transcripts); c.1537G>A, p.Asp513Asn (NM_001405724.1, NM_001405717.1, NM_001405718.1); c.1339G>A, p.Asp447Asn (NM_001405725.1, NM_001405726.1, NM_001405727.1 and 1 more transcripts); c.1102G>A, p.Asp368Asn (NM_001405729.1); c.1258G>A, p.Asp420Asn (NM_001405730.1); c.802G>A, p.Asp268Asn (NM_001405731.1); c.1693G>A, p.Asp565Asn (NM_001363864.1, NM_001365609.1, NM_001405711.1 and 2 more transcripts); c.1795G>A, p.Asp599Asn (NM_001405708.1, NM_001405709.1, NM_001405710.1 and 1 more transcripts); and 5 more; short protein forms D268N, D368N, D420N, D447N, D488N, D513N, D547N, D565N.
Identifiers: ClinVar variation 2650962 (VCV002650962.25), dbSNP rs768112365, ClinGen allele CA1671036.